The following is an entry in ClinVar:

ClinVar aggregate classification (germline): Uncertain significance (1 of 4 stars; one submission).

Conditions:
Progressive myoclonic epilepsy type 7. Identifiers: Orphanet 435438, MedGen C4015420, MONDO:0014521, OMIM 616187.

Allele frequency attached by ClinVar (database versions not stated): TOPMed below 0.00001.
gnomAD v4.1: 1 of 1,610,228 alleles (0.000062%); highest among the groups gnomAD compares: Non-Finnish European, 0.000085%; no homozygotes.

Submission:

Labcorp Genetics (formerly Invitae), Labcorp
Classification: Uncertain significance for Progressive myoclonic epilepsy type 7. Last evaluated: 2023-02-09. Review status: criteria provided, single submitter. Criteria: Invitae Variant Classification Sherloc (09022015). Collection method: clinical testing. Allele origin: germline.
Comment: This sequence change replaces alanine, which is neutral and non-polar, with threonine, which is neutral and polar, at codon 131 of the KCNC1 protein (p.Ala131Thr). The frequency data for this variant in the population databases is considered unreliable, as metrics indicate poor data quality at this position in the gnomAD database. This variant has not been reported in the literature in individuals affected with KCNC1-related conditions. Advanced modeling of protein sequence and biophysical properties (such as structural, functional, and spatial information, amino acid conservation, physicochemical variation, residue mobility, and thermodynamic stability) performed at Invitae indicates that this missense variant is not expected to disrupt KCNC1 protein function. In summary, the available evidence is currently insufficient to determine the role of this variant in disease. Therefore, it has been classified as a Variant of Uncertain Significance.

NM_001112741.2(KCNC1):c.391G>A (p.Ala131Thr)

Gene: KCNC1 (potassium voltage-gated channel subfamily C member 1; plus strand). Cytogenetic location: 11p15.1.
Variant type: single nucleotide variant.
Coding change: c.391G>A on transcript NM_001112741.2 (MANE Select); coding-DNA position 391, G replaced by A.
Protein change: p.Ala131Thr; replaces alanine 131 with threonine.
Molecular consequence: missense variant.
Genome position (GRCh38, 1-based): chr11:17,736,393, G>A. VCF-style: chr11-17736393-G-A. GRCh37 (hg19) VCF-style: chr11-17757940-G-A.
Other names: c.391G>A, p.Ala131Thr (NM_004976.4); short protein forms A131T.
Identifiers: ClinVar variation 2892451 (VCV002892451.3), dbSNP rs748483977, ClinGen allele CA218496778.